The following continues an entry in ClinVar:

NM_001127701.1(SERPINA1):c.1096G>A (p.Glu366Lys)

Gene: SERPINA1. ClinVar aggregate classification (germline): Pathogenic/Likely pathogenic; risk factor. Pathogenic (40); Likely pathogenic (1).

Submissions 9 to 16 of 59:

Labcorp Genetics (formerly Invitae), Labcorp
Classification: Pathogenic for Alpha-1-antitrypsin deficiency. Last evaluated: 2026-02-03. Review status: criteria provided, single submitter. Criteria: Invitae Variant Classification Sherloc (09022015). Collection method: clinical testing. Allele origin: germline.
Comment: This sequence change replaces glutamic acid, which is acidic and polar, with lysine, which is basic and polar, at codon 366 of the SERPINA1 protein (p.Glu366Lys). This variant is present in population databases (rs28929474, gnomAD 1.8%), and has an allele count higher than expected for a pathogenic variant. This variant, also referred to as PI*Z allele or Z allele, is a well known cause of severe alpha-1 antitrypsin (AAT) deficiency in the literature (PMID: 15978931, 22426792, 23632999, 1889260). It is associated with an 80%-100% risk of developing emphysema when it is found in the homozygous state, and a 20-50% risk when it is found as a compound heterozygote with the S allele (PMID: 15978931, 22933512). This variant is also known as p.Glu342Lys in the literature. It has also been observed to segregate with disease in related individuals. ClinVar contains an entry for this variant (Variation ID: 17967). Invitae Evidence Modeling of protein sequence and biophysical properties (such as structural, functional, and spatial information, amino acid conservation, physicochemical variation, residue mobility, and thermodynamic stability) has been performed for this missense variant. However, the output from this modeling did not meet the statistical confidence thresholds required to predict the impact of this variant on SERPINA1 protein function. Experimental studies have shown that this missense change is five times less effective than the normal M allele as an inhibitor of neutrophil elastase and it forms polymers in the lung that can be chemoattractants for neutrophils, thereby increasing inflammation (PMID: 3500183, 9569237, 12034572). It has also been shown to alter the SERPINA1 protein natural conformation thereby contributing to the formation of polymers (PMID: 22735536, 25181470). For these reasons, this variant has been classified as Pathogenic.

3billion
Classification: Pathogenic for Alpha-1-antitrypsin deficiency. Last evaluated: 2025-12-24. Review status: criteria provided, single submitter. Criteria: ACMG Guidelines, 2015. Collection method: clinical testing. Allele origin: germline. Affected: yes.
Comment: The variant is observed in the gnomAD v4.1.0 dataset (total allele frequency: 1.586%). Predicted Consequence/Location: Missense variant Functional studies provide moderate evidence of the variant having a damaging effect on the gene or gene product (PMID: 25181470). In silico tool predictions suggest damaging effect of the variant on gene or gene product [REVEL: 0.69 (>=0.6, sensitivity 0.68 and specificity 0.92); 3Cnet: 0.90 (> 0.75, sensitivity 0.96 and precision 0.92)]. The same nucleotide change resulting in the same amino acid change has been previously reported as pathogenic/likely pathogenic with strong evidence (ClinVar ID: VCV000017967 /PMID: 6306478 /3billion dataset). Different missense changes at the same codon (p.Glu366Gln, p.Glu366Gly) have been reported as pathogenic/likely pathogenic with strong evidence (ClinVar ID: VCV001492979, VCV001989795). Therefore, this variant is classified as Pathogenic according to the recommendation of ACMG/AMP guideline.

Immunogenetics and Transplant Biology Service, University Hospital "Città della Salute e della Scienza di Torino"
Classification: Likely pathogenic for Alpha-1-antitrypsin deficiency. Last evaluated: 2025-06-28. Review status: criteria provided, single submitter. Criteria: ACMG Guidelines, 2015. Collection method: clinical testing. Allele origin: germline. Affected: yes.

Women's Health and Genetics/Laboratory Corporation of America, LabCorp
Classification: Pathogenic for Alpha-1-antitrypsin deficiency. Last evaluated: 2025-06-12. Review status: criteria provided, single submitter. Criteria: LabCorp Variant Classification Summary - May 2015. Collection method: clinical testing. Allele origin: germline.
Comment: Variant summary: SERPINA1 (formerly known as PI) c.1096G>A (p.Glu366Lys; aka Glu342Lys) results in a conservative amino acid change in the encoded protein sequence. Algorithms developed to predict the effect of missense changes on protein structure and function are either unavailable or do not agree on the potential impact of this missense change. The variant allele was found at a frequency of 0.011 in 251360 control chromosomes, predominantly at a frequency of 0.018 within the Non-Finnish European subpopulation in the gnomAD database, including 17 homozygotes. Although the variant reaches polymorphic frequencies in Caucasians, this occurrence is consistent with the disease prevalence (see e.g. Stoller_2005, de Serres_2012, Blanco_2020). The variant, c.1096G>A (commonly known as the Z allele, or PI*Z allele) is reported as the most frequent alpha-1 antitrypsin deficiency allele, and individuals who are homozygous for the variant are at high risk for both lung- and liver disease, reportedly with 80-100% risk for developing emphysema (see e.g. Brantly_1991, Stoller_2005, Bornhorst_2013, Ferrarotti_2012, Stoller_2020, Tejwani_2021, Patel_2021). While nonsmoking heterozygotes are generally not considered to be at significantly increased risk for lung disease, smoking heterozygotes are at increased risk for COPD (Stoller_2020, Tejwani_2021). Several publications reported loss-of-function mechanism for the variant, i.e. homozygous individuals have a serum concentration of alpha-1 antitrypsin (AAT) that is approximately 10%-20% of normal, and the ability of the variant protein to inhibit neutrophil elastase is also decreased (e.g. Ogushi_1987, Bornhorst_2013). Studies also demonstrated that the variant protein can form (toxic) intracellular aggregates, and extracellular polymers with chemotactic properties for neutrophils, resulting in an exacerbated proinflammatory phenotype, especially in response to cigarette smoke (e.g. Elliott_1998, Parmar_2002, Alam_2014). The following publications have been ascertained in the context of this evaluation (PMID: 24592811, 32699024, 23632999, 1889260, 9569237, 22426792, 27246852, 25181470, 3500183, 12034572, 34408828, 20301692, 15978931, 34408829, 22933512, 35263815). ClinVar contains an entry for this variant (Variation ID: 17967). Based on the evidence outlined above, the variant was classified as pathogenic.

Variantyx, Inc.
Classification: Pathogenic for SerpinA1-related disorders. Last evaluated: 2025-03-24. Review status: criteria provided, single submitter. Criteria: Variantyx Assertion Criteria 2022. Collection method: clinical testing. Allele origin: germline. Inheritance: Autosomal recessive inheritance. Affected: yes.
Comment: This is a nonsynonymous variant in the SERPINA1 gene (OMIM: 107400). Pathogenic variants in this gene have been associated with autosomal recessive SERPINA1-related disorders. This variant (also known as PI*Z allele, or PI*MZ genotype) is the most common pathogenic allele associated with SERPINA1-related disorders (PMID: 20301692). The frequency of this variant in affected individuals is significantly increased compared to controls (PMID: 29070580, 24428606) (PS4). Functional studies have shown that this variant alters SERPINA1 protein function (PMID: 33087346, 24374162, 1964852) (PS3). Multiple computational algorithms predict a deleterious effect for this variant (REVEL score: 0.686) (PP3). This variant has a 1.9394% maximum allele frequency in non-founder control populations. Based on the current evidence, this variant is classified as pathogenic for autosomal recessive SERPINA1-related disorders.

Blueprint Genetics
Classification: Pathogenic for SERPINA1-related disorders. Last evaluated: 2024-11-25. Review status: criteria provided, single submitter. Criteria: ACMG Guidelines, 2015. Collection method: clinical testing. Allele origin: germline. Affected: yes. Observed: 5 variant alleles.

Victorian Clinical Genetics Services, Murdoch Childrens Research Institute
Classification: Pathogenic for Alpha-1-antitrypsin deficiency. Last evaluated: 2024-10-09. Review status: criteria provided, single submitter. Criteria: ACMG Guidelines, 2015. Collection method: clinical testing. Allele origin: germline. Inheritance: Autosomal recessive inheritance. Affected: yes.
Comment: Based on the classification scheme VCGS_Germline_v1.3.4, this variant is classified as Pathogenic. Following criteria are met: 0102 - Loss of function is a known mechanism of disease in this gene and is associated with alpha-1-antitrypsin deficiency (MIM#613490). (I) 0106 - This gene is associated with autosomal recessive disease. (I) 0200 - Variant is predicted to result in a missense amino acid change from glutamic acid to lysine. (I) 0252 - This variant is homozygous. (I) 0305 - Variant is present in gnomAD >=0.01 and <0.03 for a recessive condition (v2: 3124 heterozygotes, 26 homozygotes). (I) 0309 - An alternative amino acid change at the same position has been observed in gnomAD (v2) (7 heterozygotes, 0 homozygotes). (I) 0501 - Missense variant consistently predicted to be damaging by multiple in silico tools or highly conserved with a major amino acid change. (SP) 0600 - Variant is located in the annotated Serpin domain (DECIPHER, NCBI conserved domain). (I) 0801 - This variant has strong previous evidence of pathogenicity in unrelated individuals. Also known as PI*Z, this is the most common pathogenic allele causing alpha-1-antitrypsin deficiency (ClinVar; PMID: 15978931, 20301692). (SP) 1208 - Inheritance information for this variant is not currently available in this individual. (I) Legend: (SP) - Supporting pathogenic, (I) - Information, (SB) - Supporting benign

Institute of Immunology and Genetics Kaiserslautern
Classification: Pathogenic for Alpha-1-antitrypsin deficiency. Last evaluated: 2024-03-12. Review status: criteria provided, single submitter. Criteria: ACMG Guidelines, 2015. Collection method: clinical testing. Allele origin: paternal.
Comment: ACMG Criteria: PS3, PS4, PM3, PP1_S, PP3, PP5.